The following is an entry in ClinVar:

NM_002180.3(IGHMBP2):c.238A>G (p.Ser80Gly)

Gene: IGHMBP2 (immunoglobulin mu DNA binding protein 2; plus strand). Cytogenetic location: 11q13.3.
Variant type: single nucleotide variant.
Coding change: c.238A>G on transcript NM_002180.3 (MANE Select); coding-DNA position 238, A replaced by G.
Protein change: p.Ser80Gly; replaces serine 80 with glycine.
Molecular consequence: missense variant.
Genome position (GRCh38, 1-based): chr11:68,906,220, A>G. VCF-style: chr11-68906220-A-G. GRCh37 (hg19) VCF-style: chr11-68673688-A-G.
Other names: short protein forms S80G.
Identifiers: ClinVar variation 637693 (VCV000637693.2), dbSNP rs1594415592, ClinGen allele CA381642622.
Genomic context (GRCh38, chr11:68,906,220, plus strand): 5'-TACGGACGGCTGCTGGTCACCTTTGAGCCCAGGCGATACGGGTCCGCGGCAGCTCTTCCC[A>G]GTAACAGCTTTACTTCTGGTGTGTGCGTATTGACCTAGACAGACATTGAAATTTACTGGC-3'
Protein context (NP_002171.2, residues 70-90): RRYGSAAALP[Ser80Gly]NSFTSGDIVG

ClinVar aggregate classification (germline): Uncertain significance. Review status: criteria provided, single submitter (1 of 4 stars). 2 submissions from 2 submitters: Uncertain significance (1). 1 of the submissions does not count toward it. Last evaluated 2025-03-19.

Conditions:
Charcot-Marie-Tooth disease. Also called: Charcot-Marie-Tooth Hereditary Neuropathy; Charcot-Marie-Tooth Neuropathy. Identifiers: Orphanet 166, MedGen C0007959, MONDO:0015626.

Allele frequency attached by ClinVar (database versions not stated): gnomAD exomes below 0.00001; TOPMed below 0.00001.
gnomAD v4.1: 2 of 1,614,028 alleles (0.00012%); highest among the groups gnomAD compares: South Asian, 0.0011%; no homozygotes.

Submissions (2):

Women's Health and Genetics/Laboratory Corporation of America, LabCorp
Classification: Uncertain significance. Last evaluated: 2025-03-19. Review status: criteria provided, single submitter. Criteria: LabCorp Variant Classification Summary - May 2015. Collection method: clinical testing. Allele origin: germline.
Comment: Variant summary: IGHMBP2 c.238A>G (p.Ser80Gly) results in a non-conservative amino acid change in the encoded protein sequence. Two of three in-silico tools predict a damaging effect of the variant on protein function. The variant allele was found at a frequency of 1.2e-06 in 1607116 control chromosomes (gnomAD). The available data on variant occurrences in the general population are insufficient to allow any conclusion about variant significance. c.238A>G has been reported in the literature in a compound heterozygous individual affected with Charcot-Marie-Tooth disease axonal type 2S (Cottenie_2014). These data do not allow any conclusion about variant significance. To our knowledge, no experimental evidence demonstrating an impact on protein function has been reported. The following publication have been ascertained in the context of this evaluation (PMID: 25439726). ClinVar contains an entry for this variant (Variation ID: 637693). Based on the evidence outlined above, the variant was classified as uncertain significance.

Inherited Neuropathy Consortium
Classification: Uncertain significance for Charcot-Marie-Tooth disease. Review status: no assertion criteria provided. Collection method: literature only. Allele origin: germline. Affected: yes. Not counted in ClinVar's aggregate classification.

Literature cited by the submitters: PubMed 25439726 (cited by Women's Health and Genetics/Laboratory Corporation of America, LabCorp and Inherited Neuropathy Consortium).